The following is an entry in ClinVar:

NM_000497.4(CYP11B1):c.953C>G (p.Thr318Arg)

Genes: CYP11B1 (cytochrome P450 family 11 subfamily B member 1; minus strand), LOC106799833 (CYP11B1 recombination region; plus strand). Cytogenetic location: 8q24.3.
Variant type: single nucleotide variant.
Coding change: c.953C>G on transcript NM_000497.4 (MANE Select); coding-DNA position 953, C replaced by G.
Protein change: p.Thr318Arg; replaces threonine 318 with arginine.
Molecular consequence: missense variant.
Genome position (GRCh38, 1-based): chr8:142,876,242, G>C on the plus strand (C>G on the coding strand, the complement: CYP11B1 is on the minus strand). VCF-style: chr8-142876242-G-C. GRCh37 (hg19) VCF-style: chr8-143957658-G-C.
Other names: c.953C>G, p.Thr318Arg (NM_001026213.1); short protein forms T318R.
Identifiers: ClinVar variation 556549 (VCV000556549.12), dbSNP rs104894061, ClinGen allele CA372395017.

ClinVar aggregate classification (germline): Pathogenic. Review status: criteria provided, multiple submitters, no conflicts (2 of 4 stars). 3 submissions from 3 submitters: Pathogenic (2). 1 of the submissions does not count toward it. Last evaluated 2025-03-29.

Conditions:
Deficiency of steroid 11-beta-monooxygenase (CYP11B1). Also called: Congenital adrenal hyperplasia due to 11-beta-hydroxylase deficiency; 11-BETA-HYDROXYLASE DEFICIENCY; ADRENAL HYPERPLASIA, CONGENITAL, DUE TO STEROID 11-BETA-HYDROXYLASE DEFICIENCY; ADRENAL HYPERPLASIA IV; P450C11B1 DEFICIENCY; STEROID 11-BETA-HYDROXYLASE DEFICIENCY. Identifiers: Orphanet 90795, MedGen C0268292, MONDO:0008729, OMIM 202010. Disease mechanism: loss of function.
CYP11B1-related disorder. Also called: CYP11B1-related condition.

gnomAD v4.1: 25 of 1,614,184 alleles (0.0015%); highest among the groups gnomAD compares: Non-Finnish European, 0.0021%; no homozygotes.

Submissions (3):

PreventionGenetics, part of Exact Sciences
Classification: Pathogenic for CYP11B1-related condition. Last evaluated: 2025-03-29. Review status: criteria provided, single submitter. Criteria: ACMG Guidelines, 2015. Collection method: clinical testing. Allele origin: germline.
Comment: The CYP11B1 c.953C>G variant is predicted to result in the amino acid substitution p.Thr318Arg. This variant was reported in the compound heterozygous or homozygous state in individuals with steroid-11 beta-hydroxylase deficiency (Merke et al. 1998. PubMed ID: 9435454; Khattab et al. 2017. PubMed ID: 28228528; Nguyen et al. 2015. PubMed ID: 26476331; Grigorescu Sido et al. 2005. PubMed ID: 16046588; Dumic et al. 2014. PubMed ID: 24987415). These studies suggested that this variant is associated with classic congenital adrenal hyperplasia (CAH). This variant is reported in 0.00088% of alleles in individuals of European (Non-Finnish) descent in gnomAD. This variant is interpreted as pathogenic.

Labcorp Genetics (formerly Invitae), Labcorp
Classification: Pathogenic. Last evaluated: 2023-07-30. Review status: criteria provided, single submitter. Criteria: Invitae Variant Classification Sherloc (09022015). Collection method: clinical testing. Allele origin: germline.
Comment: ClinVar contains an entry for this variant (Variation ID: 556549). For these reasons, this variant has been classified as Pathogenic. This variant disrupts the p.Thr318 amino acid residue in CYP11B1. Other variant(s) that disrupt this residue have been determined to be pathogenic (PMID: 8506298, 10487675). This suggests that this residue is clinically significant, and that variants that disrupt this residue are likely to be disease-causing. An algorithm developed to predict the effect of missense changes on protein structure and function (PolyPhen-2) suggests that this variant is likely to be disruptive. This missense change has been observed in individual(s) with congenital adrenal hyperplasia due to 11β-hydroxylase deficiency (PMID: 9435454, 16046588, 26476331, 28228528). In at least one individual the data is consistent with being in trans (on the opposite chromosome) from a pathogenic variant. This variant is not present in population databases (gnomAD no frequency). This sequence change replaces threonine, which is neutral and polar, with arginine, which is basic and polar, at codon 318 of the CYP11B1 protein (p.Thr318Arg).

Counsyl
Classification: Likely pathogenic for Deficiency of steroid 11-beta-monooxygenase. Last evaluated: 2018-02-06. Review status: no assertion criteria provided. Collection method: clinical testing. Allele origin: unknown. Not counted in ClinVar's aggregate classification.

Literature cited by the submitters: PubMed 8506298 (cited by Labcorp Genetics (formerly Invitae), Labcorp); PubMed 10487675 (cited by Labcorp Genetics (formerly Invitae), Labcorp); PubMed 9435454 (cited by Labcorp Genetics (formerly Invitae), Labcorp and Counsyl); PubMed 16046588 (cited by Labcorp Genetics (formerly Invitae), Labcorp and Counsyl); PubMed 26476331 (cited by Labcorp Genetics (formerly Invitae), Labcorp and Counsyl); PubMed 28228528 (cited by Labcorp Genetics (formerly Invitae), Labcorp); PubMed 24987415 (cited by Counsyl).